The following is an entry in ClinVar:

ClinVar aggregate classification (germline): Uncertain significance (1 of 4 stars; one submission).

Submission:

Labcorp Genetics (formerly Invitae), Labcorp
Classification: Uncertain significance. Last evaluated: 2023-06-28. Review status: criteria provided, single submitter. Criteria: Invitae Variant Classification Sherloc (09022015). Collection method: clinical testing. Allele origin: germline.
Comment: In summary, the available evidence is currently insufficient to determine the role of this variant in disease. Therefore, it has been classified as a Variant of Uncertain Significance. This sequence change replaces alanine, which is neutral and non-polar, with valine, which is neutral and non-polar, at codon 327 of the CSF1R protein (p.Ala327Val). This variant is not present in population databases (gnomAD no frequency). This variant has not been reported in the literature in individuals affected with CSF1R-related conditions. Advanced modeling of protein sequence and biophysical properties (such as structural, functional, and spatial information, amino acid conservation, physicochemical variation, residue mobility, and thermodynamic stability) performed at Invitae indicates that this missense variant is not expected to disrupt CSF1R protein function.

NM_001288705.3(CSF1R):c.980C>T (p.Ala327Val)

Gene: CSF1R (colony stimulating factor 1 receptor; minus strand). Cytogenetic location: 5q32.
Variant type: single nucleotide variant.
Coding change: c.980C>T on transcript NM_001288705.3 (MANE Select); coding-DNA position 980, C replaced by T.
Protein change: p.Ala327Val; replaces alanine 327 with valine.
Molecular consequence: missense variant. On other transcripts: non-coding transcript variant (2).
Genome position (GRCh38, 1-based): chr5:150,073,403, G>A on the plus strand (C>T on the coding strand, the complement: CSF1R is on the minus strand). VCF-style: chr5-150073403-G-A. GRCh37 (hg19) VCF-style: chr5-149452966-G-A.
Other names: c.980C>T, p.Ala327Val (NM_001349736.2, NM_001375320.1, NM_005211.4); c.536C>T, p.Ala179Val (NM_001375321.1); short protein forms A327V, A179V.
Identifiers: ClinVar variation 2731051 (VCV002731051.3), dbSNP rs2113815305, ClinGen allele CA361724731.